The following is an entry in ClinVar:

NM_001166114.2(PNPLA6):c.3473G>A (p.Ser1158Asn)

Gene: PNPLA6 (patatin like domain 6, lysophospholipase; plus strand). Cytogenetic location: 19p13.2.
Variant type: single nucleotide variant.
Coding change: c.3473G>A on transcript NM_001166114.2 (MANE Select); coding-DNA position 3473, G replaced by A.
Protein change: p.Ser1158Asn; replaces serine 1158 with asparagine.
Molecular consequence: missense variant.
Genome position (GRCh38, 1-based): chr19:7,558,925, G>A. VCF-style: chr19-7558925-G-A. GRCh37 (hg19) VCF-style: chr19-7623811-G-A.
Other names: c.3503G>A, p.Ser1168Asn (NM_001166111.2); c.3278G>A, p.Ser1093Asn (NM_001166112.2); c.3359G>A, p.Ser1120Asn (NM_001166113.1, NM_006702.5); short protein forms S1120N, S1158N, S1168N, S1093N.
Identifiers: ClinVar variation 2169144 (VCV002169144.4), dbSNP rs779449446, ClinGen allele CA9140495.

ClinVar aggregate classification (germline): Uncertain significance (1 of 4 stars; one submission).

Conditions:
Hereditary spastic paraplegia 39 (SPG39). Also called: Spastic Paraplegia Type 39 (SPG39); SPASTIC PARAPLEGIA 39, AUTOSOMAL RECESSIVE. Identifiers: Orphanet 139480, MedGen C2677586, MONDO:0012787, OMIM 612020.

Allele frequency attached by ClinVar (database versions not stated): gnomAD exomes below 0.00001; ExAC 0.00001.

Submission:

Labcorp Genetics (formerly Invitae), Labcorp
Classification: Uncertain significance for Hereditary spastic paraplegia 39. Last evaluated: 2021-12-29. Review status: criteria provided, single submitter. Criteria: Invitae Variant Classification Sherloc (09022015). Collection method: clinical testing. Allele origin: germline.
Comment: In summary, the available evidence is currently insufficient to determine the role of this variant in disease. Therefore, it has been classified as a Variant of Uncertain Significance. Algorithms developed to predict the effect of missense changes on protein structure and function (SIFT, PolyPhen-2, Align-GVGD) all suggest that this variant is likely to be tolerated. This variant has not been reported in the literature in individuals affected with PNPLA6-related conditions. This variant is present in population databases (rs779449446, gnomAD 0.002%). This sequence change replaces serine, which is neutral and polar, with asparagine, which is neutral and polar, at codon 1120 of the PNPLA6 protein (p.Ser1120Asn).